The following is an entry in ClinVar:

NM_001903.5(CTNNA1):c.2298+4A>C

Gene: CTNNA1 (catenin alpha 1; plus strand). Cytogenetic location: 5q31.2.
Variant type: single nucleotide variant.
Coding change: c.2298+4A>C on transcript NM_001903.5 (MANE Select); 4 bases into the intron after coding-DNA position 2298, A replaced by C.
Molecular consequence: intron variant.
Genome position (GRCh38, 1-based): chr5:138,930,939, A>C. VCF-style: chr5-138930939-A-C. GRCh37 (hg19) VCF-style: chr5-138266628-A-C.
Other names: c.2298+4A>C (NM_001323982.2, NM_001323984.2, NM_001290307.3 and 2 more transcripts); c.2205+4A>C (NM_001323986.2); c.1929+4A>C (NM_001290310.3); c.1989+4A>C (NM_001290309.3); c.1188+4A>C (NM_001323996.1, NM_001323993.1, NM_001324005.1 and 17 more transcripts); c.849+4A>C (NM_001324007.1, NM_001324009.1, NM_001324006.1 and 2 more transcripts); c.945+4A>C (NM_001324013.1, NM_001324012.1); c.1095+4A>C (NM_001324011.1).
Identifiers: ClinVar variation 1380026 (VCV001380026.6), dbSNP rs1765165528, ClinGen allele CA2573139162.

ClinVar aggregate classification (germline): Uncertain significance (1 of 4 stars; one submission).

Submission:

Labcorp Genetics (formerly Invitae), Labcorp
Classification: Uncertain significance. Last evaluated: 2024-06-03. Review status: criteria provided, single submitter. Criteria: Invitae Variant Classification Sherloc (09022015). Collection method: clinical testing. Allele origin: germline.
Comment: This sequence change falls in intron 16 of the CTNNA1 gene. It does not directly change the encoded amino acid sequence of the CTNNA1 protein. It affects a nucleotide within the consensus splice site. This variant is not present in population databases (gnomAD no frequency). This variant has not been reported in the literature in individuals affected with CTNNA1-related conditions. ClinVar contains an entry for this variant (Variation ID: 1380026). Variants that disrupt the consensus splice site are a relatively common cause of aberrant splicing (PMID: 17576681, 9536098). Algorithms developed to predict the effect of sequence changes on RNA splicing suggest that this variant may disrupt the consensus splice site. In summary, the available evidence is currently insufficient to determine the role of this variant in disease. Therefore, it has been classified as a Variant of Uncertain Significance.

Literature cited by the submitters: PubMed 17576681; PubMed 9536098.